The following is an entry in ClinVar:

NM_006268.5(DPF2):c.459G>A (p.Ala153=)

Gene: DPF2 (double PHD fingers 2; plus strand). Cytogenetic location: 11q13.1.
Variant type: single nucleotide variant.
Coding change: c.459G>A on transcript NM_006268.5 (MANE Select); coding-DNA position 459, G replaced by A.
Protein change: p.Ala153=; no amino-acid change (alanine 153 retained).
Molecular consequence: synonymous variant.
Genome position (GRCh38, 1-based): chr11:65,341,556, G>A. VCF-style: chr11-65341556-G-A. GRCh37 (hg19) VCF-style: chr11-65109027-G-A.
Other names: c.459G>A, p.Ala153= (NM_001330308.2).
Identifiers: ClinVar variation 2185303 (VCV002185303.18), dbSNP rs145264138, ClinGen allele CA6095271.

ClinVar aggregate classification (germline): Likely benign. Review status: criteria provided, multiple submitters, no conflicts (2 of 4 stars). 2 submissions from 2 submitters: Likely benign (2). Last evaluated 2024-11-11.

Allele frequency attached by ClinVar (database versions not stated): TOPMed 0.00001; gnomAD 0.00003; ExAC 0.00004; ESP Exome Variant Server 0.00008; 1000 Genomes Project 0.00020; 1000 Genomes Project 30x 0.00031.
gnomAD v4.1: 77 of 1,614,118 alleles (0.0048%); highest among the groups gnomAD compares: Middle Eastern, 0.049%; no homozygotes.

Submissions (2):

Labcorp Genetics (formerly Invitae), Labcorp
Classification: Likely benign. Last evaluated: 2024-11-11. Review status: criteria provided, single submitter. Criteria: Invitae Variant Classification Sherloc (09022015). Collection method: clinical testing. Allele origin: germline.

CeGaT Center for Human Genetics Tuebingen
Classification: Likely benign. Last evaluated: 2024-10-01. Review status: criteria provided, single submitter. Criteria: CeGaT Center For Human Genetics Tuebingen Variant Classification Criteria Version 2. Collection method: clinical testing. Allele origin: germline. Affected: yes. Observed: 1 variant allele.
Comment: DPF2: BP4, BP7